The following is an entry in ClinVar:

NM_001267550.2(TTN):c.24652A>G (p.Ser8218Gly)

Gene: TTN (titin; minus strand). Cytogenetic location: 2q31.2.
Variant type: single nucleotide variant.
Coding change: c.24652A>G on transcript NM_001267550.2 (MANE Select); coding-DNA position 24652, A replaced by G.
Protein change: p.Ser8218Gly; replaces serine 8218 with glycine.
Molecular consequence: missense variant. On other transcripts: intron variant (3).
Genome position (GRCh38, 1-based): chr2:178,718,454, T>C on the plus strand (A>G on the coding strand, the complement: TTN is on the minus strand). VCF-style: chr2-178718454-T-C. GRCh37 (hg19) VCF-style: chr2-179583181-T-C.
Other names: p.S7901G:AGT>GGT; c.23701A>G, p.Ser7901Gly (NM_001256850.1); c.20920A>G, p.Ser6974Gly (NM_133378.4); c.13282+19628A>G (NM_003319.4); c.13858+19628A>G (NM_133437.4); c.13657+19628A>G (NM_133432.3); short protein forms S8218G, S6974G, S7901G.
Identifiers: ClinVar variation 46739 (VCV000046739.38), dbSNP rs72648980, ClinGen allele CA231586.

ClinVar aggregate classification (germline): Conflicting classifications of pathogenicity. Review status: criteria provided, conflicting classifications (1 of 4 stars). 22 submissions from 18 submitters: Uncertain significance (3); Benign (7); Likely benign (9). 3 of the submissions do not count toward it. Last evaluated 2026-08-01.

Conditions:
TTN-related disorder. Also called: TTN-related disorders; TTN-related condition; TTN-related disease.
Cardiovascular phenotype. Identifiers: MedGen CN230736.
Dilated cardiomyopathy 1G (CMD1G). Identifiers: Orphanet 154, MedGen C1858763, MONDO:0011400, OMIM 604145.
Autosomal recessive limb-girdle muscular dystrophy type 2J (LGMDR10). Also called: MUSCULAR DYSTROPHY, LIMB-GIRDLE, AUTOSOMAL RECESSIVE 10; Limb-girdle muscular dystrophy, type 2J. Identifiers: Orphanet 140922, MedGen C1837342, MONDO:0012127, OMIM 608807.
Cardiomyopathy (CMYO). Also called: Cardiomyopathies. Identifiers: Orphanet 167848, MedGen C0878544, MONDO:0004994, HP:0001638. Inheritance: Various modes of inheritance.
Early-onset myopathy with fatal cardiomyopathy (CMYO5). Also called: CONGENITAL MYOPATHY 5 WITH CARDIOMYOPATHY; Salih Myopathy. Identifiers: Orphanet 289377, MedGen C2673677, MONDO:0012714, OMIM 611705. Disease mechanism: loss of function.
Myopathy, myofibrillar, 9, with early respiratory failure (MFM9). Also called: Myopathy, distal, with early respiratory failure, autosomal dominant; Hereditary myopathy with early respiratory failure; MYOPATHY, PROXIMAL, WITH EARLY RESPIRATORY MUSCLE INVOLVEMENT; EDSTROM MYOPATHY. Identifiers: Orphanet 178464, Orphanet 34521, MedGen C1863599, MONDO:0011362, OMIM 603689.
Tibial muscular dystrophy (TMD). Also called: Udd Distal Myopathy – Tibial Muscular Dystrophy; Tibial muscular dystrophy, tardive; UDD MYOPATHY. Identifiers: Orphanet 609, MedGen C1838244, MONDO:0010870, OMIM 600334.

Allele frequency attached by ClinVar (database versions not stated): 1000 Genomes Project 0.00160; TOPMed 0.00305; gnomAD exomes 0.00062 and 0.00025; 1000 Genomes Project 30x 0.00156; gnomAD 0.00273 and 0.00249; ExAC 0.00072; ESP Exome Variant Server 0.00224.
gnomAD v4.1: 749 of 1,613,802 alleles (0.046%); highest among the groups gnomAD compares: African/African-American, 0.81%; 2 homozygotes.

Submissions (22):

CeGaT Center for Human Genetics Tuebingen
Classification: Likely benign. Last evaluated: 2026-08-01. Review status: criteria provided, single submitter. Criteria: CeGaT Center For Human Genetics Tuebingen Variant Classification Criteria Version 2. Collection method: clinical testing. Allele origin: germline. Affected: yes. Observed: 1 variant allele.
Comment: TTN: BP4, BS2

Labcorp Genetics (formerly Invitae), Labcorp
Classification: Benign for Dilated cardiomyopathy 1G; Autosomal recessive limb-girdle muscular dystrophy type 2J. Last evaluated: 2026-02-03. Review status: criteria provided, single submitter. Criteria: Invitae Variant Classification Sherloc (09022015). Collection method: clinical testing. Allele origin: germline.

Molecular Diagnostic Laboratory for Inherited Cardiovascular Disease, Montreal Heart Institute
Classification: Likely benign. Last evaluated: 2025-04-09. Review status: criteria provided, single submitter. Criteria: ACMG Guidelines, 2015. Collection method: clinical testing. Allele origin: germline. Affected: no.

ARUP Laboratories, Molecular Genetics and Genomics, ARUP Laboratories
Classification: Likely benign. Last evaluated: 2025-04-08. Review status: criteria provided, single submitter. Criteria: ARUP Molecular Germline Variant Investigation Process 2024. Collection method: clinical testing. Allele origin: germline.

Mayo Clinic Laboratories, Mayo Clinic
Classification: Likely benign. Last evaluated: 2025-02-03. Review status: criteria provided, single submitter. Criteria: ACMG Guidelines, 2015. Collection method: clinical testing. Allele origin: germline. Observed: 6 variant alleles.
Comment: BS1, BP4_moderate

Blueprint Genetics
Classification: Benign. Last evaluated: 2024-10-07. Review status: criteria provided, single submitter. Criteria: ACMG Guidelines, 2015. Collection method: clinical testing. Allele origin: germline.

Women's Health and Genetics/Laboratory Corporation of America, LabCorp
Classification: Likely benign. Last evaluated: 2022-11-19. Review status: criteria provided, single submitter. Criteria: LabCorp Variant Classification Summary - May 2015. Collection method: clinical testing. Allele origin: germline.

Illumina Laboratory Services, Illumina
Classification: Uncertain significance for Dilated cardiomyopathy 1G. Last evaluated: 2018-01-13. Review status: criteria provided, single submitter. Criteria: ICSL Variant Classification Criteria 13 December 2019. Collection method: clinical testing. Allele origin: germline.

Illumina Laboratory Services, Illumina
Classification: Uncertain significance for Early-onset myopathy with fatal cardiomyopathy. Last evaluated: 2018-01-13. Review status: criteria provided, single submitter. Criteria: ICSL Variant Classification Criteria 13 December 2019. Collection method: clinical testing. Allele origin: germline.

Illumina Laboratory Services, Illumina
Classification: Benign for Tibial muscular dystrophy. Last evaluated: 2018-01-13. Review status: criteria provided, single submitter. Criteria: ICSL Variant Classification Criteria 13 December 2019. Collection method: clinical testing. Allele origin: germline.
Comment: This variant was observed in the ICSL laboratory as part of a predisposition screen in an ostensibly healthy population. It had not been previously curated by ICSL or reported in the Human Gene Mutation Database (HGMD: prior to June 1st, 2018), and was therefore a candidate for classification through an automated scoring system. Utilizing variant allele frequency, disease prevalence and penetrance estimates, and inheritance mode, an automated score was calculated to assess if this variant is too frequent to cause the disease. Based on the score and internal cut-off values, a variant classified as benign is not then subjected to further curation. The score for this variant resulted in a classification of benign for this disease.

Illumina Laboratory Services, Illumina
Classification: Uncertain significance for Autosomal recessive limb-girdle muscular dystrophy type 2J. Last evaluated: 2018-01-13. Review status: criteria provided, single submitter. Criteria: ICSL Variant Classification Criteria 13 December 2019. Collection method: clinical testing. Allele origin: germline.

Illumina Laboratory Services, Illumina
Classification: Benign for Myopathy, myofibrillar, 9, with early respiratory failure. Last evaluated: 2018-01-13. Review status: criteria provided, single submitter. Criteria: ICSL Variant Classification Criteria 13 December 2019. Collection method: clinical testing. Allele origin: germline.
Comment: the same text as in the submission from Illumina Laboratory Services, Illumina above.

CHEO Genetics Diagnostic Laboratory, Children's Hospital of Eastern Ontario
Classification: Likely benign for Cardiomyopathy. Last evaluated: 2016-07-25. Review status: criteria provided, single submitter. Criteria: ACMG Guidelines, 2015. Collection method: clinical testing. Allele origin: germline. Study: Canadian Open Genetics Repository.

Genetic Services Laboratory, University of Chicago
Classification: Likely benign. Last evaluated: 2015-02-10. Review status: criteria provided, single submitter. Criteria: ACMG Guidelines, 2015. Collection method: clinical testing. Allele origin: germline.

Eurofins Ntd Llc (ga)
Classification: Benign. Last evaluated: 2014-09-03. Review status: criteria provided, single submitter. Criteria: EGL Classification Definitions 2015. Collection method: clinical testing. Allele origin: germline. Observed: 1 variant allele, 1 heterozygote.

GeneDx
Classification: Benign. Last evaluated: 2014-09-03. Review status: criteria provided, single submitter. Criteria: GeneDx Variant Classification (06012015). Collection method: clinical testing. Allele origin: germline. Affected: yes.
Comment: This variant is considered likely benign or benign based on one or more of the following criteria: it is a conservative change, it occurs at a poorly conserved position in the protein, it is predicted to be benign by multiple in silico algorithms, and/or has population frequency not consistent with disease.

Ambry Genetics
Classification: Likely benign for Cardiovascular phenotype. Last evaluated: 2013-07-12. Review status: criteria provided, single submitter. Criteria: Ambry Autosomal Dominant and X-Linked criteria (10/2015). Collection method: clinical testing. Allele origin: germline. Observed: 1 variant allele.

Biesecker Lab/Clinical Genomics Section, National Institutes of Health
Classification: Benign. Last evaluated: 2013-06-24. Review status: criteria provided, single submitter. Criteria: Ng et al. (Circ Cardiovasc Genet. 2013). Collection method: research. Allele origin: unknown. Observed: 1 variant allele. Study: ClinSeq.
Comment: The study set was not selected for affection status in relation to any cancer. Pathogenicity categories were based on literature curation. See Pubmed ID:23861362 for details.

Medical sequencing

Laboratory for Molecular Medicine, Mass General Brigham Personalized Medicine
Classification: Likely benign. Last evaluated: 2012-02-07. Review status: criteria provided, single submitter. Criteria: LMM Criteria. Collection method: clinical testing. Allele origin: germline. Observed: 3 variant alleles.
Comment: Ser6974Gly in exon 82 of TTN: This variant is not expected to have clinical sign ificance because it is not located within the splice consensus sequence and has been identified in 0.7% (22/3102) of African American chromosomes by NHLBI Exome Sequencing Project in a broad population (dbS NP rs72648980). Ser6974Gly in exon 82 of TTN (rs72648980; allele frequency = 0. 7%, 22/3102) **

PreventionGenetics, part of Exact Sciences
Classification: Benign for TTN-related condition. Last evaluated: 2019-12-04. Review status: no assertion criteria provided. Collection method: clinical testing. Allele origin: germline. Not counted in ClinVar's aggregate classification.
Comment: This variant is classified as benign based on ACMG/AMP sequence variant interpretation guidelines (Richards et al. 2015 PMID: 25741868, with internal and published modifications).

Clinical Genetics DNA and cytogenetics Diagnostics Lab, Erasmus MC, Erasmus Medical Center
Classification: Likely benign. Review status: no assertion criteria provided. Collection method: clinical testing. Allele origin: germline. Affected: yes. Study: VKGL Data-share Consensus. Not counted in ClinVar's aggregate classification.

Clinical Genetics, Academic Medical Center
Classification: Benign. Review status: no assertion criteria provided. Collection method: clinical testing. Allele origin: germline. Affected: yes. Study: VKGL Data-share Consensus. Not counted in ClinVar's aggregate classification.